The following is an entry in ClinVar:

NM_000489.6(ATRX):c.3392G>C (p.Arg1131Thr)

Gene: ATRX (ATRX chromatin remodeler; minus strand). Cytogenetic location: Xq21.1.
Variant type: single nucleotide variant.
Coding change: c.3392G>C on transcript NM_000489.6 (MANE Select); coding-DNA position 3392, G replaced by C.
Protein change: p.Arg1131Thr; replaces arginine 1131 with threonine.
Molecular consequence: missense variant.
Genome position (GRCh38, 1-based): chrX:77,681,864, C>G on the plus strand (G>C on the coding strand, the complement: ATRX is on the minus strand). VCF-style: chrX-77681864-C-G. GRCh37 (hg19) VCF-style: chrX-76937356-C-G.
Other names: c.3278G>C, p.Arg1093Thr (NM_138270.5); short protein forms R1093T, R1131T.
Identifiers: ClinVar variation 1318618 (VCV001318618.2), dbSNP rs2071220353, ClinGen allele CA413706657.
Genomic context (GRCh38, chrX:77,681,864, plus strand): 5'-CTTTGTATTTCCTTAGTATTTCTCTTTGAACTTAAATTTCTTCTTTCCCTCAATTCTATT[C>G]TTTTCAGTCTCTTATCAGAAGAGTTACAACCATCTTCTTTCATGGAATATTTCTCAGTAT-3'
Protein context (NP_000480.3, residues 1121-1141): GCNSSDKRLK[Arg1131Thr]IELRERRNLS

ClinVar aggregate classification (germline): Uncertain significance (1 of 4 stars; one submission).

Submission:

GeneDx
Classification: Uncertain significance. Last evaluated: 2019-05-07. Review status: criteria provided, single submitter. Criteria: GeneDx Variant Classification Process June 2021. Collection method: clinical testing. Allele origin: germline. Affected: yes.
Comment: Not observed in large population cohorts (Lek et al., 2016); In silico analysis, which includes protein predictors and evolutionary conservation, supports that this variant does not alter protein structure/function; Has not been previously published as pathogenic or benign to our knowledge